The following is an entry in ClinVar:

NM_016247.4(IMPG2):c.639G>C (p.Glu213Asp)

Gene: IMPG2 (interphotoreceptor matrix proteoglycan 2; minus strand). Cytogenetic location: 3q12.3.
Variant type: single nucleotide variant.
Coding change: c.639G>C on transcript NM_016247.4 (MANE Select); coding-DNA position 639, G replaced by C.
Protein change: p.Glu213Asp; replaces glutamic acid 213 with aspartic acid.
Molecular consequence: missense variant.
Genome position (GRCh38, 1-based): chr3:101,275,690, C>G on the plus strand (G>C on the coding strand, the complement: IMPG2 is on the minus strand). VCF-style: chr3-101275690-C-G. GRCh37 (hg19) VCF-style: chr3-100994534-C-G.
Other names: short protein forms E213D.
Identifiers: ClinVar variation 836178 (VCV000836178.8), dbSNP rs200968743, ClinGen allele CA2519422.

ClinVar aggregate classification (germline): Conflicting classifications of pathogenicity. Review status: criteria provided, conflicting classifications (1 of 4 stars). 3 submissions from 3 submitters: Uncertain significance (2); Likely benign (1). Last evaluated 2025-07-03.

Conditions:
Inborn genetic diseases. Identifiers: MedGen C0950123, MeSH D030342.
IMPG2-related disorder. Also called: IMPG2-related condition.

Allele frequency attached by ClinVar (database versions not stated): 1000 Genomes Project 30x 0.00016; gnomAD 0.00016 and 0.00018; 1000 Genomes Project 0.00020; TOPMed 0.00032; ExAC 0.00002; gnomAD exomes 0.00002.
gnomAD v4.1: 57 of 1,613,886 alleles (0.0035%); highest among the groups gnomAD compares: Admixed American, 0.053%; no homozygotes.

Submissions (3):

PreventionGenetics, part of Exact Sciences
Classification: Uncertain significance for IMPG2-related condition. Last evaluated: 2025-07-03. Review status: criteria provided, single submitter. Criteria: ACMG Guidelines, 2015. Collection method: clinical testing. Allele origin: germline.
Comment: The IMPG2 c.639G>C variant is predicted to result in the amino acid substitution p.Glu213Asp. To our knowledge, this variant has not been reported in the literature. This variant is present in 0.0058% of alleles in individuals of Latino descent in gnomAD. At this time, the clinical significance of this variant is uncertain due to the absence of conclusive functional and genetic evidence.

Labcorp Genetics (formerly Invitae), Labcorp
Classification: Uncertain significance. Last evaluated: 2023-11-27. Review status: criteria provided, single submitter. Criteria: Invitae Variant Classification Sherloc (09022015). Collection method: clinical testing. Allele origin: germline.
Comment: This sequence change replaces glutamic acid, which is acidic and polar, with aspartic acid, which is acidic and polar, at codon 213 of the IMPG2 protein (p.Glu213Asp). This variant is present in population databases (rs200968743, gnomAD 0.006%). This variant has not been reported in the literature in individuals affected with IMPG2-related conditions. ClinVar contains an entry for this variant (Variation ID: 836178). Algorithms developed to predict the effect of missense changes on protein structure and function output the following: SIFT: "Not Available"; PolyPhen-2: "Benign"; Align-GVGD: "Not Available". The aspartic acid amino acid residue is found in multiple mammalian species, which suggests that this missense change does not adversely affect protein function. In summary, the available evidence is currently insufficient to determine the role of this variant in disease. Therefore, it has been classified as a Variant of Uncertain Significance.

Ambry Genetics
Classification: Likely benign for Inborn genetic diseases. Last evaluated: 2023-10-16. Review status: criteria provided, single submitter. Criteria: Ambry Variant Classification Scheme 2023. Collection method: clinical testing. Allele origin: germline.